The following is an entry in ClinVar:

NM_000098.3(CPT2):c.1129G>A (p.Gly377Ser)

Gene: CPT2 (carnitine palmitoyltransferase 2; plus strand). Cytogenetic location: 1p32.3.
Variant type: single nucleotide variant.
Coding change: c.1129G>A on transcript NM_000098.3 (MANE Select); coding-DNA position 1129, G replaced by A.
Protein change: p.Gly377Ser; replaces glycine 377 with serine.
Molecular consequence: missense variant.
Genome position (GRCh38, 1-based): chr1:53,210,803, G>A. VCF-style: chr1-53210803-G-A. GRCh37 (hg19) VCF-style: chr1-53676475-G-A.
Other names: c.1129G>A, p.Gly377Ser (NM_001330589.2); short protein forms G377S.
Identifiers: ClinVar variation 1952194 (VCV001952194.5), dbSNP rs2525589361, ClinGen allele CA340394579.
Genomic context (GRCh38, chr1:53,210,803, plus strand): 5'-AACCTCATTATCGCCAAGGATGGCTCTACTGCCGTCCACTTTGAGCACTCTTGGGGTGAT[G>A]GTGTGGCAGTGCTCAGATTTTTTAATGAAGTATTTAAAGACAGCACTCAGACCCCTGCCG-3'
Protein context (NP_000089.1, residues 367-387): AVHFEHSWGD[Gly377Ser]VAVLRFFNEV

ClinVar aggregate classification (germline): Uncertain significance (1 of 4 stars; one submission).

Conditions:
Carnitine palmitoyltransferase II deficiency. Also called: Carnitine Palmitoyltransferase 2 Deficiency. Identifiers: Orphanet 157, MedGen C0342790, MONDO:0015515.

Submission:

Labcorp Genetics (formerly Invitae), Labcorp
Classification: Uncertain significance for Carnitine palmitoyltransferase II deficiency. Last evaluated: 2022-03-20. Review status: criteria provided, single submitter. Criteria: Invitae Variant Classification Sherloc (09022015). Collection method: clinical testing. Allele origin: germline.
Comment: This sequence change replaces glycine, which is neutral and non-polar, with serine, which is neutral and polar, at codon 377 of the CPT2 protein (p.Gly377Ser). This variant is not present in population databases (gnomAD no frequency). This variant has not been reported in the literature in individuals affected with CPT2-related conditions. Advanced modeling of protein sequence and biophysical properties (such as structural, functional, and spatial information, amino acid conservation, physicochemical variation, residue mobility, and thermodynamic stability) performed at Invitae indicates that this missense variant is expected to disrupt CPT2 protein function. In summary, the available evidence is currently insufficient to determine the role of this variant in disease. Therefore, it has been classified as a Variant of Uncertain Significance.